The following is an entry in ClinVar:

NM_001041.4(SI):c.4841+5G>A

Gene: SI (sucrase-isomaltase; minus strand). Cytogenetic location: 3q26.1.
Variant type: single nucleotide variant.
Coding change: c.4841+5G>A on transcript NM_001041.4 (MANE Select); 5 bases into the intron after coding-DNA position 4841, G replaced by A.
Molecular consequence: intron variant.
Genome position (GRCh38, 1-based): chr3:164,994,252, C>T on the plus strand (G>A on the coding strand, the complement: SI is on the minus strand). VCF-style: chr3-164994252-C-T. GRCh37 (hg19) VCF-style: chr3-164712040-C-T.
Identifiers: ClinVar variation 2059666 (VCV002059666.4), dbSNP rs542991783, ClinGen allele CA2689777.

ClinVar aggregate classification (germline): Uncertain significance (1 of 4 stars; one submission).

Allele frequency attached by ClinVar (database versions not stated): ExAC 0.00003; 1000 Genomes Project 30x 0.00016; 1000 Genomes Project 0.00020; gnomAD 0.00001; gnomAD exomes 0.00001.
gnomAD v4.1: 6 of 1,609,760 alleles (0.00037%); highest among the groups gnomAD compares: South Asian, 0.0066%; no homozygotes.

Submission:

Labcorp Genetics (formerly Invitae), Labcorp
Classification: Uncertain significance. Last evaluated: 2022-06-05. Review status: criteria provided, single submitter. Criteria: Invitae Variant Classification Sherloc (09022015). Collection method: clinical testing. Allele origin: germline.
Comment: This sequence change falls in intron 41 of the SI gene. It does not directly change the encoded amino acid sequence of the SI protein. It affects a nucleotide within the consensus splice site. This variant is present in population databases (rs542991783, gnomAD 0.01%). This variant has not been reported in the literature in individuals affected with SI-related conditions. Variants that disrupt the consensus splice site are a relatively common cause of aberrant splicing (PMID: 17576681, 9536098). Algorithms developed to predict the effect of sequence changes on RNA splicing suggest that this variant may disrupt the consensus splice site. In summary, the available evidence is currently insufficient to determine the role of this variant in disease. Therefore, it has been classified as a Variant of Uncertain Significance.

Literature cited by the submitters: PubMed 17576681; PubMed 9536098.